The following is an entry in ClinVar:

NM_001034853.2(RPGR):c.310+1G>C

Gene: RPGR (retinitis pigmentosa GTPase regulator; minus strand). Cytogenetic location: Xp11.4.
Variant type: single nucleotide variant.
Coding change: c.310+1G>C on transcript NM_001034853.2 (MANE Select); the canonical splice donor site of the intron after coding-DNA position 310, G replaced by C.
Molecular consequence: splice donor variant.
Genome position (GRCh38, 1-based): chrX:38,321,026, C>G on the plus strand (G>C on the coding strand, the complement: RPGR is on the minus strand). VCF-style: chrX-38321026-C-G. GRCh37 (hg19) VCF-style: chrX-38180279-C-G.
Other names: c.310+1G>C (NM_001367249.1, NM_001367250.1, NM_001367245.1 and 4 more transcripts); c.340+1G>C (NM_001367248.1).
Identifiers: ClinVar variation 98779 (VCV000098779.4), dbSNP rs62638639, ClinGen allele CA226411.

ClinVar aggregate classification (germline): Pathogenic. Review status: reviewed by expert panel (3 of 4 stars). 3 submissions from 3 submitters: Pathogenic (1). 2 of the submissions do not count toward it. Last evaluated 2025-09-06.

Conditions:
RPGR-related retinopathy. Also called: RPGR retinopathy. Identifiers: MedGen CN305589, MONDO:0100437.
Primary ciliary dyskinesia. Also called: Ciliary dyskinesia. Identifiers: Orphanet 244, MedGen C0008780, MONDO:0016575, HP:0012265.

Submissions (3):

ClinGen X-linked Inherited Retinal Disease Variant Curation Expert Panel, ClinGen
Classification: Pathogenic for RPGR-related retinopathy. Last evaluated: 2025-09-06. Review status: reviewed by expert panel. Criteria: ClinGen X LinkedIRD ACMG Specifications RPGR V1.0.0. Collection method: curation. Allele origin: germline. Inheritance: X-linked inheritance.
Comment: NM_001034853.2(RPGR):c.310+1G>C is a canonical splice site variant in intron 4 and is predicted to induce skipping of exon 4, which is expected to disrupt a critical functional domain in RPGR (PVS1). Another variant at the same position in the donor +1/+2 dinucleotide, NM_001034853.2(RPGR):c.310+1G>A, has previously been classified pathogenic by the X-linked IRD VCEP (PS1_Supporting). This variant is absent from gnomAD v4.1.0 (PM2_Supporting). This variant has been reported in at least 2 apparently unrelated probands (PMID: 10937588, PMID: 11992260). However, the number of individuals meeting one of the PS4 requirements of some functional vision impairment in affected males by age 30 years, and/or decreased or absent electroretinogram responses was fewer than the requirement of at least 2 unrelated probands, so PS4_Supporting was not met. The variant has been reported to segregate through at least 3 meioses in one family (PP1_Moderate). In summary, this variant is classified as pathogenic for RPGR-related retinopathy based on the ClinGen X-linked Inherited Retinal Disease Expert Panel Specifications to the ACMG/AMP Variant Interpretation Guidelines for RPGR Version 1.0.0; PVS1, PS1_Supporting, PM2_Supporting, and PP1_Moderate.

Labcorp Genetics (formerly Invitae), Labcorp
Classification: Pathogenic for Primary ciliary dyskinesia. Last evaluated: 2024-08-28. Review status: criteria provided, single submitter. Criteria: Invitae Variant Classification Sherloc (09022015). Collection method: clinical testing. Allele origin: germline. Not counted in ClinVar's aggregate classification.
Comment: This sequence change affects a donor splice site in intron 4 of the RPGR gene. It is expected to disrupt RNA splicing. Variants that disrupt the donor or acceptor splice site typically lead to a loss of protein function (PMID: 16199547), and loss-of-function variants in RPGR are known to be pathogenic (PMID: 16055928, 16969763). This variant is not present in population databases (gnomAD no frequency). Disruption of this splice site has been observed in individuals with X-linked retinitis pigmentosa (PMID: 10937588, 11992260). ClinVar contains an entry for this variant (Variation ID: 98779). Algorithms developed to predict the effect of sequence changes on RNA splicing suggest that this variant may disrupt the consensus splice site. For these reasons, this variant has been classified as Pathogenic.

Retina International
No classification provided. Review status: no classification provided. Collection method: not provided. Allele origin: not provided. Not counted in ClinVar's aggregate classification.

Literature cited by the submitters: PubMed 16199547 (cited by Labcorp Genetics (formerly Invitae), Labcorp); PubMed 16055928 (cited by Labcorp Genetics (formerly Invitae), Labcorp); PubMed 16969763 (cited by Labcorp Genetics (formerly Invitae), Labcorp); PubMed 10937588 (cited by Labcorp Genetics (formerly Invitae), Labcorp); PubMed 11992260 (cited by Labcorp Genetics (formerly Invitae), Labcorp).